The following is an entry in ClinVar:

NM_181703.4(GJA5):c.863C>T (p.Ala288Val)

Gene: GJA5 (gap junction protein alpha 5; minus strand). Cytogenetic location: 1q21.2.
Variant type: single nucleotide variant.
Coding change: c.863C>T on transcript NM_181703.4 (MANE Select); coding-DNA position 863, C replaced by T.
Protein change: p.Ala288Val; replaces alanine 288 with valine.
Molecular consequence: missense variant.
Genome position (GRCh38, 1-based): chr1:147,758,376, G>A on the plus strand (C>T on the coding strand, the complement: GJA5 is on the minus strand). VCF-style: chr1-147758376-G-A. GRCh37 (hg19) VCF-style: chr1-147230484-G-A.
Other names: c.863C>T, p.Ala288Val (NM_005266.7); short protein forms A288V.
Identifiers: ClinVar variation 2139459 (VCV002139459.4), dbSNP rs1553226824, ClinGen allele CA342394256.

ClinVar aggregate classification (germline): Uncertain significance (1 of 4 stars; one submission).

Conditions:
Atrial fibrillation, familial, 11 (ATFB11). Identifiers: MedGen C3279693, MONDO:0013544, OMIM 614049.
Atrial standstill 1 (ATRST1). Also called: ATRIAL CARDIOMYOPATHY WITH HEART BLOCK; CARDIOMYOPATHY, FAMILIAL, WITH CONDUCTION DISTURBANCE; Atrial standstill, digenic (GJA5/SCN5A). Identifiers: Orphanet 1344, MedGen C4551959, MONDO:0007171, OMIM 108770.

Allele frequency attached by ClinVar (database versions not stated): gnomAD exomes 0.00001.

Submission:

Labcorp Genetics (formerly Invitae), Labcorp
Classification: Uncertain significance for Atrial fibrillation, familial, 11; Atrial standstill 1. Last evaluated: 2022-02-06. Review status: criteria provided, single submitter. Criteria: Invitae Variant Classification Sherloc (09022015). Collection method: clinical testing. Allele origin: germline.
Comment: In summary, the available evidence is currently insufficient to determine the role of this variant in disease. Therefore, it has been classified as a Variant of Uncertain Significance. Algorithms developed to predict the effect of missense changes on protein structure and function output the following: SIFT: "Not Available"; PolyPhen-2: "Benign"; Align-GVGD: "Not Available". The valine amino acid residue is found in multiple mammalian species, which suggests that this missense change does not adversely affect protein function. This variant has not been reported in the literature in individuals affected with GJA5-related conditions. This variant is present in population databases (no rsID available, gnomAD 0.0009%). This sequence change replaces alanine, which is neutral and non-polar, with valine, which is neutral and non-polar, at codon 288 of the GJA5 protein (p.Ala288Val).